The following is an entry in ClinVar:

NM_001365536.1(SCN9A):c.5556G>T (p.Glu1852Asp)

Genes: SCN9A (sodium voltage-gated channel alpha subunit 9; minus strand), SCN1A-AS1 (SCN1A and SCN9A antisense RNA 1; plus strand). Cytogenetic location: 2q24.3.
Variant type: single nucleotide variant.
Coding change: c.5556G>T on transcript NM_001365536.1 (MANE Select); coding-DNA position 5556, G replaced by T.
Protein change: p.Glu1852Asp; replaces glutamic acid 1852 with aspartic acid.
Molecular consequence: missense variant.
Genome position (GRCh38, 1-based): chr2:166,199,083, C>A on the plus strand (G>T on the coding strand, the complement: SCN9A is on the minus strand). VCF-style: chr2-166199083-C-A. GRCh37 (hg19) VCF-style: chr2-167055593-C-A.
Other names: c.5523G>T, p.Glu1841Asp (NM_002977.4); short protein forms E1841D, E1852D.
Identifiers: ClinVar variation 1017461 (VCV001017461.9), dbSNP rs1693347992, ClinGen allele CA349052352.

ClinVar aggregate classification (germline): Uncertain significance (1 of 4 stars; one submission).

Conditions:
Neuropathy, hereditary sensory and autonomic, type 2A (HSAN2A). Also called: HSAN IIA; ACROOSTEOLYSIS, GIACCAI TYPE; ACROOSTEOLYSIS, NEUROGENIC; MORVAN DISEASE; NEUROPATHY, CONGENITAL SENSORY; NEUROPATHY, HEREDITARY SENSORY RADICULAR, AUTOSOMAL RECESSIVE. Identifiers: Orphanet 970, MedGen C2752089, MONDO:0024309, OMIM 201300.
Generalized epilepsy with febrile seizures plus, type 7 (GEFSP7). Also called: GEFS+, TYPE 7. Identifiers: Orphanet 36387, MedGen C2751778, MONDO:0013470, OMIM 613863.

Allele frequency attached by ClinVar (database versions not stated): gnomAD exomes below 0.00001; TOPMed 0.00001.
gnomAD v4.1: 1 of 1,614,142 alleles (0.000062%); highest among the groups gnomAD compares: Non-Finnish European, 0.000085%; no homozygotes.

Submission:

Labcorp Genetics (formerly Invitae), Labcorp
Classification: Uncertain significance for Neuropathy, hereditary sensory and autonomic, type 2A; Generalized epilepsy with febrile seizures plus, type 7. Last evaluated: 2022-12-22. Review status: criteria provided, single submitter. Criteria: Invitae Variant Classification Sherloc (09022015). Collection method: clinical testing. Allele origin: germline.
Comment: This variant has not been reported in the literature in individuals affected with SCN9A-related conditions. This sequence change replaces glutamic acid, which is acidic and polar, with aspartic acid, which is acidic and polar, at codon 1841 of the SCN9A protein (p.Glu1841Asp). This variant is not present in population databases (gnomAD no frequency). ClinVar contains an entry for this variant (Variation ID: 1017461). Advanced modeling of protein sequence and biophysical properties (such as structural, functional, and spatial information, amino acid conservation, physicochemical variation, residue mobility, and thermodynamic stability) performed at Invitae indicates that this missense variant is not expected to disrupt SCN9A protein function. In summary, the available evidence is currently insufficient to determine the role of this variant in disease. Therefore, it has been classified as a Variant of Uncertain Significance.